The following is an entry in ClinVar:

NM_001283009.2(RTEL1):c.3328T>A (p.Phe1110Ile)

Genes: RTEL1 (regulator of telomere elongation helicase 1; plus strand), RTEL1-TNFRSF6B (RTEL1-TNFRSF6B readthrough (NMD candidate); plus strand). Cytogenetic location: 20q13.33.
Variant type: single nucleotide variant.
Coding change: c.3328T>A on transcript NM_001283009.2 (MANE Select); coding-DNA position 3328, T replaced by A.
Protein change: p.Phe1110Ile; replaces phenylalanine 1110 with isoleucine.
Molecular consequence: missense variant. On other transcripts: non-coding transcript variant (1).
Genome position (GRCh38, 1-based): chr20:63,694,959, T>A. VCF-style: chr20-63694959-T-A. GRCh37 (hg19) VCF-style: chr20-62326312-T-A.
Other names: c.2659T>A, p.Phe887Ile (NM_001283010.1); c.3328T>A, p.Phe1110Ile (NM_016434.4); c.3400T>A, p.Phe1134Ile (NM_032957.5); short protein forms F1134I, F1110I, F887I.
Identifiers: ClinVar variation 3948236 (VCV003948236.1).

ClinVar aggregate classification (germline): Uncertain significance (1 of 4 stars; one submission).

Conditions:
Inborn genetic diseases. Identifiers: MedGen C0950123, MeSH D030342.

gnomAD v4.1: 1 of 1,612,436 alleles (0.000062%); highest among the groups gnomAD compares: Non-Finnish European, 0.000085%; no homozygotes.

Submission:

Ambry Genetics
Classification: Uncertain significance for Inborn genetic diseases. Last evaluated: 2025-03-20. Review status: criteria provided, single submitter. Criteria: Ambry Variant Classification Scheme 2023. Collection method: clinical testing. Allele origin: germline.
Comment: The p.F1110I variant (also known as c.3328T>A), located in coding exon 31 of the RTEL1 gene, results from a T to A substitution at nucleotide position 3328. The phenylalanine at codon 1110 is replaced by isoleucine, an amino acid with highly similar properties. This amino acid position is conserved. In addition, this alteration is predicted to be tolerated by in silico analysis. Based on the available evidence, the clinical significance of this variant remains unclear.